The following is an entry in ClinVar:

ClinVar aggregate classification (germline): Uncertain significance (1 of 4 stars; one submission).

Conditions:
Familial thoracic aortic aneurysm and aortic dissection (TAAD). Also called: Thoracic aortic aneurysms and dissections. Identifiers: Orphanet 91387, MedGen C4707243, MONDO:0019625.

Submission:

Color Diagnostics, LLC DBA Color Health
Classification: Uncertain significance for Familial thoracic aortic aneurysm and aortic dissection. Last evaluated: 2023-12-04. Review status: criteria provided, single submitter. Criteria: ACMG Guidelines, 2015. Collection method: clinical testing. Allele origin: germline.
Comment: This missense variant changes two consecutive amino acids of the MYH11 protein (Lys896Asn and Asn897His). To our knowledge, functional studies have not been reported for this variant. This variant has not been reported in individuals affected with cardiovascular disorders in the literature. This variant has not been identified in the general population by the Genome Aggregation Database (gnomAD). The available evidence is insufficient to determine the role of this variant in disease conclusively. Therefore, this variant is classified as a Variant of Uncertain Significance.

NM_002474.3(MYH11):c.2667_2668delinsCC (p.Lys889_Asn890delinsAsnHis)

Gene: MYH11 (myosin heavy chain 11; minus strand). Cytogenetic location: 16p13.11.
Variant type: Indel.
Coding change: c.2667_2668delinsCC on transcript NM_002474.3 (MANE Select); coding-DNA positions 2667 to 2668, GA replaced by CC.
Protein change: p.Lys889_Asn890delinsAsnHis.
Molecular consequence: missense variant.
Genome position (GRCh38, 1-based): chr16:15,741,654-15,741,655, TC replaced by GG on the plus strand (GA replaced by CC on the coding strand, the reverse complement: MYH11 is on the minus strand). VCF-style: chr16-15741654-TC-GG. GRCh37 (hg19) VCF-style: chr16-15835511-TC-GG.
Other names: c.2688_2689delinsCC, p.Lys896_Asn897delinsAsnHis (NM_001040113.2, NM_001040114.2); c.2667_2668delinsCC, p.Lys889_Asn890delinsAsnHis (NM_022844.3).
Identifiers: ClinVar variation 2773839 (VCV002773839.2), dbSNP rs2506206460, ClinGen allele CA2697555675.